The following is an entry in ClinVar:

NM_172107.4(KCNQ2):c.1023+19C>T

Gene: KCNQ2 (potassium voltage-gated channel subfamily Q member 2; minus strand). Cytogenetic location: 20q13.33.
Variant type: single nucleotide variant.
Coding change: c.1023+19C>T on transcript NM_172107.4 (MANE Select); 19 bases into the intron after coding-DNA position 1023, C replaced by T.
Molecular consequence: intron variant.
Genome position (GRCh38, 1-based): chr20:63,438,606, G>A on the plus strand (C>T on the coding strand, the complement: KCNQ2 is on the minus strand). VCF-style: chr20-63438606-G-A. GRCh37 (hg19) VCF-style: chr20-62069959-G-A.
Other names: c.1023+19C>T (NM_004518.6, NM_172108.5, NM_172106.3 and 1 more transcripts).
Identifiers: ClinVar variation 389062 (VCV000389062.11), dbSNP rs761878820, ClinGen allele CA9958676.

ClinVar aggregate classification (germline): Likely benign. Review status: criteria provided, multiple submitters, no conflicts (2 of 4 stars). 2 submissions from 2 submitters: Likely benign (2). Last evaluated 2025-01-11.

Conditions:
Early-infantile DEE. Also called: Ohtahara syndrome; Early infantile epileptic encephalopathy; Early infantile epileptic encephalopathy with suppression bursts. Identifiers: Orphanet 1934, MedGen C0393706, MONDO:0800491.

Allele frequency attached by ClinVar (database versions not stated): ExAC 0.00002; gnomAD exomes 0.00002; gnomAD 0.00004; TOPMed 0.00005.
gnomAD v4.1: 29 of 1,606,336 alleles (0.0018%); highest among the groups gnomAD compares: African/African-American, 0.008%; no homozygotes.

Submissions (2):

Labcorp Genetics (formerly Invitae), Labcorp
Classification: Likely benign for Early-infantile DEE. Last evaluated: 2025-01-11. Review status: criteria provided, single submitter. Criteria: Invitae Variant Classification Sherloc (09022015). Collection method: clinical testing. Allele origin: germline.

GeneDx
Classification: Likely benign. Last evaluated: 2017-05-04. Review status: criteria provided, single submitter. Criteria: GeneDx Variant Classification (06012015). Collection method: clinical testing. Allele origin: germline. Affected: yes.
Comment: This variant is considered likely benign or benign based on one or more of the following criteria: it is a conservative change, it occurs at a poorly conserved position in the protein, it is predicted to be benign by multiple in silico algorithms, and/or has population frequency not consistent with disease.